The following is an entry in ClinVar:

NM_017636.4(TRPM4):c.3016del (p.Ala1006fs)

Gene: TRPM4 (transient receptor potential cation channel subfamily M member 4; plus strand). Cytogenetic location: 19q13.33.
Variant type: Deletion.
Coding change: c.3016del on transcript NM_017636.4 (MANE Select); coding-DNA position 3016, one base deleted (G; older notation c.3016delG).
Protein change: p.Ala1006fs; shifts the reading frame from alanine 1006.
Molecular consequence: frameshift variant.
Genome position (GRCh38, 1-based): chr19:49,202,026, G deleted; the last of 4 consecutive G bases (chr19:49,202,023-49,202,026); deleting any one gives the same sequence. VCF-style (leftmost placement, unchanged base first): chr19-49202022-TG-T. GRCh37 (hg19) VCF-style: chr19-49705279-TG-T.
Other names: c.2581del, p.Ala861fs (NM_001195227.2); c.2671del, p.Ala891fs (NM_001321281.2); c.1408del, p.Ala470fs (NM_001321282.2); c.2494del, p.Ala832fs (NM_001321283.2); c.1954del, p.Ala652fs (NM_001321285.2); short protein forms A832fs, A861fs, A1006fs, A470fs, A652fs, A891fs.
Identifiers: ClinVar variation 1798859 (VCV001798859.5), dbSNP rs1351696888, ClinGen allele CA633891050.
Genomic context (GRCh38, chr19:49,202,022, plus strand): 5'-AGTGGCCCTCATGGAGCACAGCAACTGCTCGTCGGAGCCCGGCTTCTGGGCACACCCTCC[TG>T]GGGCCCAGGCGGGCACCTGCGTCTCCCAGTATGCCAACTGGCTGGTGGTGCTGCTCCTCG-3'

ClinVar aggregate classification (germline): Uncertain significance. Review status: criteria provided, multiple submitters, no conflicts (2 of 4 stars). 2 submissions from 2 submitters: Uncertain significance (2). Last evaluated 2023-06-09.

Conditions:
Cardiovascular phenotype. Identifiers: MedGen CN230736.
Progressive familial heart block type IB (PFHB1B). Identifiers: Orphanet 871, MedGen C1970298, MONDO:0011474, OMIM 604559.

Submissions (2):

Labcorp Genetics (formerly Invitae), Labcorp
Classification: Uncertain significance for Progressive familial heart block type IB. Last evaluated: 2023-06-09. Review status: criteria provided, single submitter. Criteria: Invitae Variant Classification Sherloc (09022015). Collection method: clinical testing. Allele origin: germline.
Comment: This variant is present in population databases (no rsID available, gnomAD 0.003%). This sequence change creates a premature translational stop signal (p.Ala1006Profs*117) in the TRPM4 gene. It is expected to result in an absent or disrupted protein product. However, the current clinical and genetic evidence is not sufficient to establish whether loss-of-function variants in TRPM4 cause disease. This variant has not been reported in the literature in individuals affected with TRPM4-related conditions. In summary, the available evidence is currently insufficient to determine the role of this variant in disease. Therefore, it has been classified as a Variant of Uncertain Significance. ClinVar contains an entry for this variant (Variation ID: 1798859).

Ambry Genetics
Classification: Uncertain significance for Cardiovascular phenotype. Last evaluated: 2020-11-12. Review status: criteria provided, single submitter. Criteria: Ambry Variant Classification Scheme 2023. Collection method: clinical testing. Allele origin: germline.
Comment: The c.3016delG variant, located in coding exon 20 of the TRPM4 gene, results from a deletion of one nucleotide at nucleotide position 3016, causing a translational frameshift with a predicted alternate stop codon (p.A1006Pfs*117). This alteration is expected to result in premature protein truncation or nonsense-mediated mRNA decay. However, loss of function of TRPM4 has not been clearly established as a mechanism of disease. Since supporting evidence is limited at this time, the clinical significance of this alteration remains unclear.